The following is an entry in ClinVar:

ClinVar aggregate classification (germline): Pathogenic (1 of 4 stars; one submission).

Conditions:
Neurofibromatosis, type 1 (NF1). Also called: Neurofibromatosis, type I; Peripheral type neurofibromatosis; NEUROFIBROMATOSIS, TYPE I, SOMATIC; VON RECKLINGHAUSEN DISEASE. Identifiers: Orphanet 636, MedGen C0027831, MONDO:0018975, OMIM 162200. Disease mechanism: loss of function.

Submission:

Labcorp Genetics (formerly Invitae), Labcorp
Classification: Pathogenic for Neurofibromatosis, type 1. Last evaluated: 2022-05-26. Review status: criteria provided, single submitter. Criteria: Invitae Variant Classification Sherloc (09022015). Collection method: clinical testing. Allele origin: germline.
Comment: For these reasons, this variant has been classified as Pathogenic. This variant has not been reported in the literature in individuals affected with NF1-related conditions. This variant is not present in population databases (gnomAD no frequency). This sequence change creates a premature translational stop signal (p.Asp1729Alafs*15) in the NF1 gene. It is expected to result in an absent or disrupted protein product. Loss-of-function variants in NF1 are known to be pathogenic (PMID: 10712197, 23913538).

Literature cited by the submitters: PubMed 10712197; PubMed 23913538.

NM_001042492.3(NF1):c.5249del (p.Asp1750fs)

Gene: NF1 (neurofibromin 1; plus strand). Cytogenetic location: 17q11.2.
Variant type: Deletion.
Coding change: c.5249del on transcript NM_001042492.3 (MANE Select); coding-DNA position 5249, one base deleted (A; older notation c.5249delA).
Protein change: p.Asp1750fs; shifts the reading frame from aspartic acid 1750.
Molecular consequence: frameshift variant.
Genome position (GRCh38, 1-based): chr17:31,326,233, A deleted. VCF-style (leftmost placement, unchanged base first): chr17-31326232-GA-G. GRCh37 (hg19) VCF-style: chr17-29653250-GA-G.
Other names: c.5186delA, p.Asp1729Alafs (NM_000267.4); short protein forms D1750fs, D1729fs.
Identifiers: ClinVar variation 1999161 (VCV001999161.4), dbSNP rs2508698639, ClinGen allele CA2580093056.